The following is an entry in ClinVar:

NM_015378.4(VPS13D):c.5634+6C>G

Gene: VPS13D (vacuolar protein sorting 13 homolog D; plus strand). Cytogenetic location: 1p36.22.
Variant type: single nucleotide variant.
Coding change: c.5634+6C>G on transcript NM_015378.4 (MANE Select); 6 bases into the intron after coding-DNA position 5634, C replaced by G.
Molecular consequence: intron variant.
Genome position (GRCh38, 1-based): chr1:12,283,742, C>G. VCF-style: chr1-12283742-C-G. GRCh37 (hg19) VCF-style: chr1-12343799-C-G.
Other names: c.5634+6C>G (NM_018156.4).
Identifiers: ClinVar variation 2052214 (VCV002052214.2), dbSNP rs756933953, ClinGen allele CA602349.

ClinVar aggregate classification (germline): Uncertain significance (1 of 4 stars; one submission).

Allele frequency attached by ClinVar (database versions not stated): ExAC 0.00004; TOPMed 0.00004; gnomAD 0.00007.
gnomAD v4.1: 100 of 1,604,962 alleles (0.0062%); highest among the groups gnomAD compares: Non-Finnish European, 0.0083%; no homozygotes.

Submission:

Labcorp Genetics (formerly Invitae), Labcorp
Classification: Uncertain significance. Last evaluated: 2022-02-25. Review status: criteria provided, single submitter. Criteria: Invitae Variant Classification Sherloc (09022015). Collection method: clinical testing. Allele origin: germline.
Comment: In summary, the available evidence is currently insufficient to determine the role of this variant in disease. Therefore, it has been classified as a Variant of Uncertain Significance. Variants that disrupt the consensus splice site are a relatively common cause of aberrant splicing (PMID: 17576681, 9536098). Algorithms developed to predict the effect of sequence changes on RNA splicing suggest that this variant is not likely to affect RNA splicing. This variant has not been reported in the literature in individuals affected with VPS13D-related conditions. This variant is present in population databases (rs756933953, gnomAD 0.01%). This sequence change falls in intron 21 of the VPS13D gene. It does not directly change the encoded amino acid sequence of the VPS13D protein. It affects a nucleotide within the consensus splice site.

Literature cited by the submitters: PubMed 17576681; PubMed 9536098.